The following is an entry in ClinVar:

ClinVar aggregate classification (germline): Likely pathogenic. Review status: criteria provided, multiple submitters, no conflicts (2 of 4 stars). 2 submissions from 2 submitters: Likely pathogenic (2). Last evaluated 2025-10-17.

Conditions:
Hearing loss, autosomal dominant 73. Also called: DEAFNESS, AUTOSOMAL DOMINANT 73. Identifiers: MedGen C4540024, MONDO:0033260, OMIM 617663.

Submissions (2):

Human Genetics Bochum, Ruhr University Bochum
Classification: Likely pathogenic for Hearing loss, autosomal dominant 73. Last evaluated: 2025-10-17. Review status: criteria provided, single submitter. Criteria: ACMG Guidelines, 2015. Collection method: clinical testing. Allele origin: germline. Affected: yes.
Comment: ACMG criteria used to clasify this variant: PVS1, PM2_SUP

GeneDx
Classification: Likely pathogenic. Last evaluated: 2022-11-08. Review status: criteria provided, single submitter. Criteria: GeneDx Variant Classification Process June 2021. Collection method: clinical testing. Allele origin: germline. Affected: yes.
Comment: Nonsense variant predicted to result in protein truncation or nonsense mediated decay in a gene for which loss of function is a known mechanism of disease; Not observed at significant frequency in large population cohorts (gnomAD); Has not been previously published as pathogenic or benign to our knowledge

NM_001145026.2(PTPRQ):c.5657_5658del (p.Asp1885_Ser1886insTer)

Gene: PTPRQ (protein tyrosine phosphatase receptor type Q; plus strand). Cytogenetic location: 12q21.31.
Variant type: Microsatellite.
Coding change: c.5657_5658del on transcript NM_001145026.2 (MANE Select); coding-DNA positions 5657 to 5658, 2 bases deleted (CT; older notation c.5657_5658delCT).
Protein change: p.Asp1885_Ser1886insTer.
Molecular consequence: nonsense.
Genome position (GRCh38, 1-based): chr12:80,622,105-80,622,106, CT deleted; deleting any 2 consecutive bases within chr12:80,622,103-80,622,106 gives the same sequence; the c. name uses the placement nearest the transcript's 3' end. VCF-style (leftmost placement, unchanged base first): chr12-80622102-ACT-A. GRCh37 (hg19) VCF-style: chr12-81015881-ACT-A.
Identifiers: ClinVar variation 2501401 (VCV002501401.2), dbSNP rs1197563846, ClinGen allele CA692374499.
Genomic context (GRCh38, chr12:80,622,102, plus strand): 5'-TTCTTTTTTTATTTTATAGATTTAAATTTAGAGCTACAAATATTATGGGACAATTTACTG[ACT>A]CTGATTATTCTGACCCTGTTAAGACTTTAGGTAAGACATTTTTGTAATTCATTTATAATC-3'